The following is an entry in ClinVar:

ClinVar aggregate classification (germline): Uncertain significance (1 of 4 stars; one submission).

Conditions:
Nephronophthisis. Also called: Juvenile Nephronophthisis. Identifiers: Orphanet 655, MedGen C0687120, MONDO:0019005, HP:0000090.

Submission:

Labcorp Genetics (formerly Invitae), Labcorp
Classification: Uncertain significance for Nephronophthisis. Last evaluated: 2022-05-10. Review status: criteria provided, single submitter. Criteria: Invitae Variant Classification Sherloc (09022015). Collection method: clinical testing. Allele origin: germline.
Comment: In summary, the available evidence is currently insufficient to determine the role of this variant in disease. Therefore, it has been classified as a Variant of Uncertain Significance. Algorithms developed to predict the effect of missense changes on protein structure and function are either unavailable or do not agree on the potential impact of this missense change (SIFT: "Deleterious"; PolyPhen-2: "Benign"; Align-GVGD: "Class C0"). This variant has not been reported in the literature in individuals affected with NPHP3-related conditions. This variant is not present in population databases (gnomAD no frequency). This sequence change replaces lysine, which is basic and polar, with threonine, which is neutral and polar, at codon 446 of the NPHP3 protein (p.Lys446Thr).

NM_153240.5(NPHP3):c.1337A>C (p.Lys446Thr)

Genes: NPHP3 (nephrocystin 3; minus strand), NPHP3-ACAD11 (NPHP3-ACAD11 readthrough (NMD candidate); minus strand). Cytogenetic location: 3q22.1.
Variant type: single nucleotide variant.
Coding change: c.1337A>C on transcript NM_153240.5 (MANE Select); coding-DNA position 1337, A replaced by C.
Protein change: p.Lys446Thr; replaces lysine 446 with threonine.
Molecular consequence: missense variant. On other transcripts: non-coding transcript variant (1).
Genome position (GRCh38, 1-based): chr3:132,705,753, T>G on the plus strand (A>C on the coding strand, the complement: NPHP3 is on the minus strand). VCF-style: chr3-132705753-T-G. GRCh37 (hg19) VCF-style: chr3-132424597-T-G.
Other names: short protein forms K446T.
Identifiers: ClinVar variation 1947558 (VCV001947558.5), dbSNP rs2530455007, ClinGen allele CA354584828.